The following is an entry in ClinVar:

ClinVar aggregate classification (germline): Uncertain significance (1 of 4 stars; one submission).

Conditions:
Hereditary cancer-predisposing syndrome. Also called: Tumor predisposition; Hereditary Cancer Syndrome; Hereditary neoplastic syndrome; Neoplastic Syndromes, Hereditary. Identifiers: Orphanet 140162, MedGen C0027672, MeSH D009386, MONDO:0015356.

Submission:

Ambry Genetics
Classification: Uncertain significance for Hereditary cancer-predisposing syndrome. Last evaluated: 2023-07-19. Review status: criteria provided, single submitter. Criteria: Ambry Variant Classification Scheme 2023. Collection method: clinical testing. Allele origin: germline.
Comment: The c.2455_2460delTGTAAA variant (also known as p.C819_K820del) is located in coding exon 15 of the ATM gene. This variant results from an in-frame TGTAAA deletion at nucleotide positions 2455 to 2460. This results in the in-frame deletion of a cysteine and a lysine at codons 819-820. These amino acid positions are not well conserved in available vertebrate species. In addition, this alteration is predicted to be deleterious by in silico analysis (Choi Y et al. PLoS ONE. 2012; 7(10):e46688). Since supporting evidence is limited at this time, the clinical significance of this alteration remains unclear.

NM_000051.4(ATM):c.2455_2460del (p.Cys819_Lys820del)

Gene: ATM (ATM serine/threonine kinase; plus strand). Cytogenetic location: 11q22.3.
Variant type: Deletion.
Coding change: c.2455_2460del on transcript NM_000051.4 (MANE Select); coding-DNA positions 2455 to 2460, 6 bases deleted (TGTAAA; older notation c.2455_2460delTGTAAA).
Protein change: p.Cys819_Lys820del.
Molecular consequence: inframe deletion.
Genome position (GRCh38, 1-based): chr11:108,259,064-108,259,069, TGTAAA deleted. VCF-style (leftmost placement, unchanged base first): chr11-108259063-TTGTAAA-T. GRCh37 (hg19) VCF-style: chr11-108129790-TTGTAAA-T.
Other names: c.2455_2460del, p.Cys819_Lys820del (NM_001351834.2).
Identifiers: ClinVar variation 2587775 (VCV002587775.2), dbSNP rs2497420993, ClinGen allele CA2582342457.
Genomic context (GRCh38, chr11:108,259,063, plus strand): 5'-TGCATCTGGCTTTTTCCTGCGATTGTTAACATCAAAGCTAATGAATGACATTGCAGATAT[TTGTAAA>T]AGTTTAGTAAGTATGCTTCCTGTTTTGCTATCATATTTTGATTCTAATAGGCATAATTTT-3'